The following is an entry in ClinVar:

ClinVar aggregate classification (germline): Pathogenic. Review status: criteria provided, multiple submitters, no conflicts (2 of 4 stars). 4 submissions from 4 submitters: Pathogenic (4). Last evaluated 2024-09-27.

Conditions:
Duchenne muscular dystrophy (DMD). Also called: MUSCULAR DYSTROPHY, PSEUDOHYPERTROPHIC PROGRESSIVE, DUCHENNE TYPE; Duchenne Muscular Dystrophy (DMD). Identifiers: Orphanet 98896, MedGen C0013264, MONDO:0010679, OMIM 310200.

Submissions (4):

Revvity Omics, Revvity
Classification: Pathogenic. Last evaluated: 2024-09-27. Review status: criteria provided, single submitter. Criteria: ACMG Guidelines, 2015. Collection method: clinical testing. Allele origin: germline.

Laboratory of Medical Genetics, National & Kapodistrian University of Athens
Classification: Pathogenic for Duchenne muscular dystrophy. Last evaluated: 2022-12-16. Review status: criteria provided, single submitter. Criteria: ACMG Guidelines, 2015. Collection method: clinical testing. Allele origin: germline. Affected: yes.
Comment: PVS1, PM2, PP5

Mendelics
Classification: Pathogenic for Duchenne muscular dystrophy. Last evaluated: 2019-05-28. Review status: criteria provided, single submitter. Criteria: Mendelics Assertion Criteria 2017. Collection method: clinical testing. Allele origin: unknown.

Eurofins Ntd Llc (ga)
Classification: Pathogenic. Last evaluated: 2017-10-12. Review status: criteria provided, single submitter. Criteria: EGL Classification Definitions 2015. Collection method: clinical testing. Allele origin: germline. Observed: 1 variant allele, 1 hemizygote.

Literature cited by the submitters: PubMed 21396098 (cited by Laboratory of Medical Genetics, National & Kapodistrian University of Athens); PubMed 28859693 (cited by Laboratory of Medical Genetics, National & Kapodistrian University of Athens).

NM_004006.3(DMD):c.5563C>T (p.Gln1855Ter)

Gene: DMD (dystrophin; minus strand). Cytogenetic location: Xp21.1.
Variant type: single nucleotide variant.
Coding change: c.5563C>T on transcript NM_004006.3 (MANE Select); coding-DNA position 5563, C replaced by T.
Protein change: p.Gln1855Ter; replaces glutamine 1855 with a stop codon.
Molecular consequence: nonsense.
Genome position (GRCh38, 1-based): chrX:32,345,966, G>A on the plus strand (C>T on the coding strand, the complement: DMD is on the minus strand). VCF-style: chrX-32345966-G-A. GRCh37 (hg19) VCF-style: chrX-32364083-G-A.
Other names: c.5539C>T, p.Gln1847Ter (NM_000109.4); c.5551C>T, p.Gln1851Ter (NM_004009.3); c.5194C>T, p.Gln1732Ter (NM_004010.3); c.1540C>T, p.Gln514Ter (NM_004011.4); c.1531C>T, p.Gln511Ter (NM_004012.4); short protein forms Q1855*, Q1732*, Q1847*, Q511*, Q1851*, Q514*.
Identifiers: ClinVar variation 594248 (VCV000594248.10), dbSNP rs1569559097, ClinGen allele CA412667260.